The following is an entry in ClinVar:

NM_001377265.1(MAPT):c.2442G>A (p.Ser814=)

Gene: MAPT (microtubule associated protein tau). Cytogenetic location: 17q21.31.
Variant type: single nucleotide variant.
Coding change: c.2442G>A on transcript NM_001377265.1 (MANE Select); coding-DNA position 2442, G replaced by A.
Protein change: p.Ser814=; no amino-acid change (serine 814 retained).
Molecular consequence: synonymous variant. On other transcripts: non-coding transcript variant (1), intron variant (1).
Genome position (GRCh38, 1-based): chr17:46,024,111, G>A. VCF-style: chr17-46024111-G-A. GRCh37 (hg19) VCF-style: chr17-44101477-G-A.
Other names: c.2271G>A, p.Ser757= (NM_001123066.4); c.1179G>A, p.Ser393= (NM_001123067.4); c.1086G>A, p.Ser362= (NM_001203251.2); c.1173G>A, p.Ser391= (NM_001203252.2); c.2151G>A, p.Ser717= (NM_001377266.1); c.999G>A, p.Ser333= (NM_001377268.1, NM_016841.5); c.1266G>A, p.Ser422= (NM_005910.6); c.1092G>A, p.Ser364= (NM_016834.5); and 2 more.
Identifiers: ClinVar variation 4821137 (VCV004821137.4).
Genomic context (GRCh38, chr17:46,024,111, plus strand): 5'-CACGTCTCCACGGCATCTCAGCAATGTCTCCTCCACCGGCAGCATCGACATGGTAGACTC[G>A]CCCCAGCTCGCCACGCTAGCTGACGAGGTGTCTGCCTCCCTGGCCAAGCAGGGTTTGTGA-3'
Protein context (NP_001364194.1, residues 804-824): SSTGSIDMVD[Ser814=]PQLATLADEV

ClinVar aggregate classification (germline): Likely benign (1 of 4 stars; one submission).

gnomAD v4.1: 5 of 1,614,022 alleles (0.00031%); highest among the groups gnomAD compares: East Asian, 0.0045%; no homozygotes.

Submission:

CeGaT Center for Human Genetics Tuebingen
Classification: Likely benign. Last evaluated: 2026-02-01. Review status: criteria provided, single submitter. Criteria: CeGaT Center For Human Genetics Tuebingen Variant Classification Criteria Version 2. Collection method: clinical testing. Allele origin: germline. Affected: yes. Observed: 1 variant allele.
Comment: MAPT: BP4, BP7